The following is an entry in ClinVar:

ClinVar aggregate classification (germline): Uncertain significance (1 of 4 stars; one submission).

gnomAD v4.1: 1 of 1,613,968 alleles (0.000062%); highest among the groups gnomAD compares: Non-Finnish European, 0.000085%; no homozygotes.

Submission:

Labcorp Genetics (formerly Invitae), Labcorp
Classification: Uncertain significance. Last evaluated: 2021-10-24. Review status: criteria provided, single submitter. Criteria: Invitae Variant Classification Sherloc (09022015). Collection method: clinical testing. Allele origin: germline.
Comment: This sequence change replaces glutamine with arginine at codon 692 of the CTNNA1 protein (p.Gln692Arg). The glutamine residue is highly conserved and there is a small physicochemical difference between glutamine and arginine. In summary, the available evidence is currently insufficient to determine the role of this variant in disease. Therefore, it has been classified as a Variant of Uncertain Significance. Algorithms developed to predict the effect of missense changes on protein structure and function are either unavailable or do not agree on the potential impact of this missense change (SIFT: "Deleterious"; PolyPhen-2: "Benign"; Align-GVGD: "Class C0"). This variant has not been reported in the literature in individuals affected with CTNNA1-related conditions. This variant is not present in population databases (ExAC no frequency).

NM_001903.5(CTNNA1):c.2075A>G (p.Gln692Arg)

Gene: CTNNA1 (catenin alpha 1; plus strand). Cytogenetic location: 5q31.2.
Variant type: single nucleotide variant.
Coding change: c.2075A>G on transcript NM_001903.5 (MANE Select); coding-DNA position 2075, A replaced by G.
Protein change: p.Gln692Arg; replaces glutamine 692 with arginine.
Molecular consequence: missense variant.
Genome position (GRCh38, 1-based): chr5:138,930,537, A>G. VCF-style: chr5-138930537-A-G. GRCh37 (hg19) VCF-style: chr5-138266226-A-G.
Other names: c.2075A>G, p.Gln692Arg (NM_001290307.3, NM_001323982.2, NM_001323983.1 and 2 more transcripts); c.1766A>G, p.Gln589Arg (NM_001290309.3); c.1706A>G, p.Gln569Arg (NM_001290310.3); c.965A>G, p.Gln322Arg (NM_001290312.1, NM_001323987.1, NM_001323988.1 and 17 more transcripts); c.1982A>G, p.Gln661Arg (NM_001323986.2); c.626A>G, p.Gln209Arg (NM_001324006.1, NM_001324007.1, NM_001324008.1 and 2 more transcripts); c.872A>G, p.Gln291Arg (NM_001324011.1); c.722A>G, p.Gln241Arg (NM_001324012.1, NM_001324013.1); short protein forms Q241R, Q322R, Q291R, Q569R, Q589R, Q661R, Q692R, Q209R.
Identifiers: ClinVar variation 1389069 (VCV001389069.6), dbSNP rs2150334393, ClinGen allele CA361133441.
Genomic context (GRCh38, chr5:138,930,537, plus strand): 5'-TCATGGCTCAGCTTCCCCAGGAGCAAAAAGCGAAGATTGCGGAACAGGTGGCCAGCTTCC[A>G]GGAAGAAAAGAGCAAGCTGGATGCTGAAGTGTCCAAATGGGACGACAGTGGCAATGACAT-3'
Protein context (NP_001894.2, residues 682-702): AKIAEQVASF[Gln692Arg]EEKSKLDAEV